The following is an entry in ClinVar:

NM_000038.6(APC):c.7036C>G (p.Pro2346Ala)

Gene: APC (APC regulator of Wnt signaling pathway; plus strand). Cytogenetic location: 5q22.2.
Variant type: single nucleotide variant.
Coding change: c.7036C>G on transcript NM_000038.6 (MANE Select); coding-DNA position 7036, C replaced by G.
Protein change: p.Pro2346Ala; replaces proline 2346 with alanine.
Molecular consequence: missense variant. On other transcripts: non-coding transcript variant (2).
Genome position (GRCh38, 1-based): chr5:112,842,630, C>G. VCF-style: chr5-112842630-C-G. GRCh37 (hg19) VCF-style: chr5-112178327-C-G.
Other names: c.7036C>G, p.Pro2346Ala (NM_001127510.3, NM_001407450.1, NM_001354895.2); c.6658C>G, p.Pro2220Ala (NM_001354904.2); c.6556C>G, p.Pro2186Ala (NM_001354905.2); c.6187C>G, p.Pro2063Ala (NM_001354906.2, NM_001407470.1); c.7120C>G, p.Pro2374Ala (NM_001407446.1); c.7090C>G, p.Pro2364Ala (NM_001407447.1, NM_001407448.1, NM_001407449.1 and 1 more transcripts); c.7015C>G, p.Pro2339Ala (NM_001407451.1); c.7006C>G, p.Pro2336Ala (NM_001407452.1); and 11 more; short protein forms P1962A, P2063A, P2186A, P2217A, P2220A, P2245A, P2255A, P2263A.
Identifiers: ClinVar variation 4881010 (VCV004881010.2).

ClinVar aggregate classification (germline): Uncertain significance (1 of 4 stars; one submission).

gnomAD v4.1: 1 of 1,613,938 alleles (0.000062%); highest among the groups gnomAD compares: Non-Finnish European, 0.000085%; no homozygotes.

Submission:

Dasa
Classification: Uncertain significance. Last evaluated: 2025-07-14. Review status: criteria provided, single submitter. Criteria: DASA Assertion Criteria. Collection method: clinical testing. Allele origin: germline.
Comment: NM_000038.6(APC):c.7036C>G (p.Pro2346Ala) is a missense variant that results in the substitution of proline with alanine. This variant is rare in population databases. The currently available literature and clinical evidence are not sufficient to establish a definitive association between this variant and the reported condition. Therefore, this variant is classified as a variant of uncertain significance.